The following is an entry in ClinVar:

NM_001931.5(DLAT):c.626A>G (p.Gln209Arg)

Gene: DLAT (dihydrolipoamide S-acetyltransferase; plus strand). Cytogenetic location: 11q23.1.
Variant type: single nucleotide variant.
Coding change: c.626A>G on transcript NM_001931.5 (MANE Select); coding-DNA position 626, A replaced by G.
Protein change: p.Gln209Arg; replaces glutamine 209 with arginine.
Molecular consequence: missense variant. On other transcripts: non-coding transcript variant (1), intron variant (2).
Genome position (GRCh38, 1-based): chr11:112,028,911, A>G. VCF-style: chr11-112028911-A-G. GRCh37 (hg19) VCF-style: chr11-111899635-A-G.
Other names: p.Q209R:CAG>CGG; c.626A>G, p.Gln209Arg (NM_001372031.1, NM_001372032.1, NM_001372033.1 and 3 more transcripts); c.593A>G, p.Gln198Arg (NM_001372034.1); c.500A>G, p.Gln167Arg (NM_001372036.1); c.458A>G, p.Gln153Arg (NM_001372037.1); c.164A>G, p.Gln55Arg (NM_001372042.1); c.381+2612A>G (NM_001372038.1); c.364+2629A>G (NM_001372040.1); short protein forms Q209R, Q153R, Q198R, Q167R, Q55R.
Identifiers: ClinVar variation 137090 (VCV000137090.25), dbSNP rs11553595, ClinGen allele CA290599.

ClinVar aggregate classification (germline): Benign. Review status: criteria provided, multiple submitters, no conflicts (2 of 4 stars). 6 submissions from 6 submitters: Benign (5). 1 of the submissions does not count toward it. Last evaluated 2026-01-30.

Conditions:
Pyruvate dehydrogenase E2 deficiency (PDHDD). Also called: Dihydrolipoamide Acetyltransferase (E2) Deficiency; LACTIC ACIDEMIA DUE TO DEFECT OF E2 LIPOYL TRANSACETYLASE OF THE PYRUVATE DEHYDROGENASE COMPLEX. Identifiers: Orphanet 765, Orphanet 79244, MedGen C1855565, MONDO:0009502, OMIM 245348.

Allele frequency attached by ClinVar (database versions not stated): gnomAD exomes 0.01198 and 0.01654; ExAC 0.01858; 1000 Genomes Project 0.03654; 1000 Genomes Project 30x 0.04076; gnomAD 0.04215 and 0.04510; TOPMed 0.04860; ESP Exome Variant Server 0.04902.
gnomAD v4.1: 24,175 of 1,614,068 alleles (1.5%); highest among the groups gnomAD compares: African/African-American, 13%; 756 homozygotes.

Submissions (6):

Labcorp Genetics (formerly Invitae), Labcorp
Classification: Benign for Pyruvate dehydrogenase E2 deficiency. Last evaluated: 2026-01-30. Review status: criteria provided, single submitter. Criteria: Invitae Variant Classification Sherloc (09022015). Collection method: clinical testing. Allele origin: germline.

ARUP Laboratories, Molecular Genetics and Genomics, ARUP Laboratories
Classification: Benign for Pyruvate dehydrogenase E2 deficiency. Last evaluated: 2023-11-06. Review status: criteria provided, single submitter. Criteria: ARUP Molecular Germline Variant Investigation Process 2024. Collection method: clinical testing. Allele origin: germline.

Genome-Nilou Lab
Classification: Benign for Pyruvate dehydrogenase E2 deficiency. Last evaluated: 2021-07-30. Review status: criteria provided, single submitter. Criteria: ACMG Guidelines, 2015. Collection method: clinical testing. Allele origin: germline. Affected: no.

GeneDx
Classification: Benign. Last evaluated: 2012-05-01. Review status: criteria provided, single submitter. Criteria: GeneDx Variant Classification (06012015). Collection method: clinical testing. Allele origin: germline. Affected: yes.
Comment: This variant is considered likely benign or benign based on one or more of the following criteria: it is a conservative change, it occurs at a poorly conserved position in the protein, it is predicted to be benign by multiple in silico algorithms, and/or has population frequency not consistent with disease.

Breakthrough Genomics
Classification: Benign. Review status: criteria provided, single submitter. Criteria: ACMG Guidelines, 2015. Collection method: not provided. Allele origin: germline. Inheritance: Autosomal recessive inheritance. Affected: yes.

Mayo Clinic Laboratories, Mayo Clinic
Classification: Benign. Last evaluated: 2016-02-22. Review status: no assertion criteria provided. Collection method: clinical testing. Allele origin: unknown. Not counted in ClinVar's aggregate classification.